The following is an entry in ClinVar:

ClinVar aggregate classification (germline): Pathogenic (1 of 4 stars; one submission).

Submission:

GeneDx
Classification: Pathogenic. Last evaluated: 2018-10-08. Review status: criteria provided, single submitter. Criteria: GeneDx Variant Classification (06012015). Collection method: clinical testing. Allele origin: germline. Affected: yes.
Comment: The c.3253delTinsCC pathogenic variant in the TSC2 gene causes a frameshift starting with codon Serine 1085, changes this amino acid to a Proline residue and creates a premature Stop codon at position 83 of the new reading frame, denoted p.Ser1085ProfsX83. This pathogenic variant is predicted to cause loss of normal protein function either through protein truncation or nonsense-mediated mRNA decay. The c.3253delTinsCC variant is not observed in large population cohorts (Lek et al., 2016).

NM_000548.5(TSC2):c.3253delinsCC (p.Ser1085fs)

Gene: TSC2 (TSC complex subunit 2; plus strand). Cytogenetic location: 16p13.3.
Variant type: Indel.
Coding change: c.3253delinsCC on transcript NM_000548.5 (MANE Select); coding-DNA position 3253, T replaced by CC.
Protein change: p.Ser1085fs; shifts the reading frame from serine 1085.
Molecular consequence: frameshift variant.
Genome position (GRCh38, 1-based): chr16:2,079,397, T replaced by CC. VCF-style: chr16-2079397-T-CC. GRCh37 (hg19) VCF-style: chr16-2129398-T-CC.
Other names: c.3121delinsCC, p.Ser1041fs (NM_001077183.3, NM_001370404.1); c.3253delinsCC, p.Ser1085fs (NM_001114382.3); c.3013delinsCC, p.Ser1005fs (NM_001318827.2); c.2977delinsCC, p.Ser993fs (NM_001318829.2); c.2521delinsCC, p.Ser841fs (NM_001318831.2); c.3154delinsCC, p.Ser1052fs (NM_001318832.2); c.3124delinsCC, p.Ser1042fs (NM_001363528.2, NM_001370405.1, NM_021055.3); short protein forms S1005fs, S1052fs, S993fs, S1041fs, S1085fs, S841fs, S1042fs.
Identifiers: ClinVar variation 817266 (VCV000817266.1), dbSNP rs1596384304, ClinGen allele CA915946292.
Genomic context (GRCh38, chr16:2,079,397, plus strand): 5'-AAGCTTGTCACTGTGACGACAAGCGTGGGAACCGGGACCCGGTCGTTACTAGGCCTGGAC[T>CC]CGGGGGAGCTGCAGTCCGGCCCGGAGTCGAGGTGACTGCACCTTCCTTTCCTCCGCGCCT-3'